The following is an entry in ClinVar:

NM_000426.4(LAMA2):c.3291C>G (p.His1097Gln)

Gene: LAMA2 (laminin subunit alpha 2; plus strand). Cytogenetic location: 6q22.33.
Variant type: single nucleotide variant.
Coding change: c.3291C>G on transcript NM_000426.4 (MANE Select); coding-DNA position 3291, C replaced by G.
Protein change: p.His1097Gln; replaces histidine 1097 with glutamine.
Molecular consequence: missense variant.
Genome position (GRCh38, 1-based): chr6:129,312,977, C>G. VCF-style: chr6-129312977-C-G. GRCh37 (hg19) VCF-style: chr6-129634122-C-G.
Other names: c.3291C>G, p.His1097Gln (NM_001079823.2); short protein forms H1097Q.
Identifiers: ClinVar variation 2058460 (VCV002058460.4), dbSNP rs2482399684, ClinGen allele CA365611887.

ClinVar aggregate classification (germline): Uncertain significance (1 of 4 stars; one submission).

Conditions:
LAMA2-related muscular dystrophy (LAMA2-RD). Also called: Laminin alpha 2-related dystrophy. Identifiers: MedGen C5679788, MONDO:0100228.

Submission:

Labcorp Genetics (formerly Invitae), Labcorp
Classification: Uncertain significance for LAMA2-related muscular dystrophy. Last evaluated: 2021-12-24. Review status: criteria provided, single submitter. Criteria: Invitae Variant Classification Sherloc (09022015). Collection method: clinical testing. Allele origin: germline.
Comment: In summary, the available evidence is currently insufficient to determine the role of this variant in disease. Therefore, it has been classified as a Variant of Uncertain Significance. This sequence change replaces histidine, which is basic and polar, with glutamine, which is neutral and polar, at codon 1097 of the LAMA2 protein (p.His1097Gln). This variant is not present in population databases (gnomAD no frequency). This variant has not been reported in the literature in individuals affected with LAMA2-related conditions. Advanced modeling of protein sequence and biophysical properties (such as structural, functional, and spatial information, amino acid conservation, physicochemical variation, residue mobility, and thermodynamic stability) performed at Invitae indicates that this missense variant is not expected to disrupt LAMA2 protein function. Algorithms developed to predict the effect of sequence changes on RNA splicing suggest that this variant may create or strengthen a splice site.